The following is an entry in ClinVar:

NM_031935.3(HMCN1):c.1411G>A (p.Gly471Arg)

Gene: HMCN1 (hemicentin 1; plus strand). Cytogenetic location: 1q31.1.
Variant type: single nucleotide variant.
Coding change: c.1411G>A on transcript NM_031935.3 (MANE Select); coding-DNA position 1411, G replaced by A.
Protein change: p.Gly471Arg; replaces glycine 471 with arginine.
Molecular consequence: missense variant.
Genome position (GRCh38, 1-based): chr1:185,925,172, G>A. VCF-style: chr1-185925172-G-A. GRCh37 (hg19) VCF-style: chr1-185894304-G-A.
Other names: c.1411G>A (NM_031935.2); short protein forms G471R.
Identifiers: ClinVar variation 2719388 (VCV002719388.4), dbSNP rs1441759884, ClinGen allele CA343895624.
Genomic context (GRCh38, chr1:185,925,172, plus strand): 5'-TGCTCTGTTGACAGTCTTTTGCCCTTTACCTTGAGCTTTGTCAGAAATGGAGTTACACTT[G>A]GAGTAGACCAGTATTTGAAGTAGGTACATGTTTCTGTCAGTAATAAGATTCAGCATTTAA-3'
Protein context (NP_114141.2, residues 461-481): LSFVRNGVTL[Gly471Arg]VDQYLKESAS

ClinVar aggregate classification (germline): Uncertain significance. Review status: criteria provided, multiple submitters, no conflicts (2 of 4 stars). 2 submissions from 2 submitters: Uncertain significance (2). Last evaluated 2025-11-01.

gnomAD v4.1: 2 of 1,613,742 alleles (0.00012%); highest among the groups gnomAD compares: Admixed American, 0.0017%; no homozygotes.

Submissions (2):

Labcorp Genetics (formerly Invitae), Labcorp
Classification: Uncertain significance. Last evaluated: 2025-11-01. Review status: criteria provided, single submitter. Criteria: Invitae Variant Classification Sherloc (09022015). Collection method: clinical testing. Allele origin: germline.
Comment: This sequence change replaces glycine, which is neutral and non-polar, with arginine, which is basic and polar, at codon 471 of the HMCN1 protein (p.Gly471Arg). This variant is present in population databases (no rsID available, gnomAD 0.003%). This variant has not been reported in the literature in individuals affected with HMCN1-related conditions. ClinVar contains an entry for this variant (Variation ID: 2719388). An algorithm developed to predict the effect of missense changes on protein structure and function (PolyPhen-2) suggests that this variant is likely to be disruptive. In summary, the available evidence is currently insufficient to determine the role of this variant in disease. Therefore, it has been classified as a Variant of Uncertain Significance.

Ambry Genetics
Classification: Uncertain significance. Last evaluated: 2025-03-17. Review status: criteria provided, single submitter. Criteria: Ambry Variant Classification Scheme 2023. Collection method: clinical testing. Allele origin: germline.